The following is an entry in ClinVar:

ClinVar aggregate classification (germline): Uncertain significance. Review status: criteria provided, multiple submitters, no conflicts (2 of 4 stars). 3 submissions from 3 submitters: Uncertain significance (3). Last evaluated 2025-07-28.

Allele frequency attached by ClinVar (database versions not stated): gnomAD 0.00003 and 0.00005; gnomAD exomes 0.00003; TOPMed 0.00003; 1000 Genomes Project 0.00020; 1000 Genomes Project 30x 0.00078.

Submissions (3):

Labcorp Genetics (formerly Invitae), Labcorp
Classification: Uncertain significance. Last evaluated: 2025-07-28. Review status: criteria provided, single submitter. Criteria: Invitae Variant Classification Sherloc (09022015). Collection method: clinical testing. Allele origin: germline.
Comment: This sequence change replaces proline, which is neutral and non-polar, with serine, which is neutral and polar, at codon 127 of the IRF2BP2 protein (p.Pro127Ser). This variant is not present in population databases (gnomAD no frequency). This variant has not been reported in the literature in individuals affected with IRF2BP2-related conditions. ClinVar contains an entry for this variant (Variation ID: 1448213). An algorithm developed to predict the effect of missense changes on protein structure and function outputs the following: PolyPhen-2: "Benign". The serine amino acid residue is found in multiple mammalian species, which suggests that this missense change does not adversely affect protein function. In summary, the available evidence is currently insufficient to determine the role of this variant in disease. Therefore, it has been classified as a Variant of Uncertain Significance.

Ambry Genetics
Classification: Uncertain significance. Last evaluated: 2025-01-23. Review status: criteria provided, single submitter. Criteria: Ambry Variant Classification Scheme 2023. Collection method: clinical testing. Allele origin: germline.

Breakthrough Genomics
Classification: Uncertain significance. Review status: criteria provided, single submitter. Criteria: ACMG Guidelines, 2015. Collection method: not provided. Allele origin: germline. Inheritance: Autosomal dominant inheritance. Affected: yes.

NM_182972.3(IRF2BP2):c.379C>T (p.Pro127Ser)

Genes: IRF2BP2 (interferon regulatory factor 2 binding protein 2; minus strand), LOC129932812 (ATAC-STARR-seq lymphoblastoid silent region 1977; plus strand). Cytogenetic location: 1q42.3.
Variant type: single nucleotide variant.
Coding change: c.379C>T on transcript NM_182972.3 (MANE Select); coding-DNA position 379, C replaced by T.
Protein change: p.Pro127Ser; replaces proline 127 with serine.
Molecular consequence: missense variant.
Genome position (GRCh38, 1-based): chr1:234,609,116, G>A on the plus strand (C>T on the coding strand, the complement: IRF2BP2 is on the minus strand). VCF-style: chr1-234609116-G-A. GRCh37 (hg19) VCF-style: chr1-234744862-G-A.
Other names: c.379C>T, p.Pro127Ser (NM_001077397.1); c.379C>T (NM_182972.2); short protein forms P127S.
Identifiers: ClinVar variation 1448213 (VCV001448213.10), dbSNP rs553259618, ClinGen allele CA39546812.
Genomic context (GRCh38, chr1:234,609,116, plus strand): 5'-TCGGCGGCTGGGCCAGGCTCGCTGCCGGGCGGCTGCTGCCGAAGTCAGAGCCGAGGCGCG[G>A]GGGCCTCTCGGCCGCGGCCGCCAACGGGTAGCGCTCCAAGGCCTGCGGCGCGCGCGGGGC-3'
Protein context (NP_892017.2, residues 117-137): YPLAAAAERP[Pro127Ser]RLGSDFGSSR